The following is an entry in ClinVar:

NM_000069.3(CACNA1S):c.1832T>A (p.Leu611Gln)

Gene: CACNA1S (calcium voltage-gated channel subunit alpha1 S; minus strand). Cytogenetic location: 1q32.1.
Variant type: single nucleotide variant.
Coding change: c.1832T>A on transcript NM_000069.3 (MANE Select); coding-DNA position 1832, T replaced by A.
Protein change: p.Leu611Gln; replaces leucine 611 with glutamine.
Molecular consequence: missense variant.
Genome position (GRCh38, 1-based): chr1:201,075,611, A>T on the plus strand (T>A on the coding strand, the complement: CACNA1S is on the minus strand). VCF-style: chr1-201075611-A-T. GRCh37 (hg19) VCF-style: chr1-201044739-A-T.
Other names: short protein forms L611Q.
Identifiers: ClinVar variation 4529775 (VCV004529775.1).
Genomic context (GRCh38, chr1:201,075,611, plus strand): 5'-GACGGCCCGCCGTAGGCCATGATCCCATTGTACATCATTGAGGTCCAGTCTTCCCCTGTC[A>T]GTACCTGTATGGAGGGAGGATAGAGGGCTCGGGAACACAGAGGGGCCTGAGAGTCTTCTA-3'
Protein context (NP_000060.2, residues 601-621): PQALISVFQV[Leu611Gln]TGEDWTSMMY

ClinVar aggregate classification (germline): Uncertain significance (1 of 4 stars; one submission).

Submission:

GeneDx
Classification: Uncertain significance. Last evaluated: 2025-05-08. Review status: criteria provided, single submitter. Criteria: GeneDx Variant Classification Process June 2021. Collection method: clinical testing. Allele origin: germline. Affected: yes.
Comment: Not observed at significant frequency in large population cohorts (gnomAD); In silico analysis supports that this missense variant has a deleterious effect on protein structure/function; Has not been previously published as pathogenic or benign to our knowledge